The following is an entry in ClinVar:

ClinVar aggregate classification (germline): Uncertain significance (1 of 4 stars; one submission).

Allele frequency attached by ClinVar (database versions not stated): gnomAD exomes 0.00001; ExAC 0.00002.
gnomAD v4.1: 7 of 1,612,488 alleles (0.00043%); highest among the groups gnomAD compares: Admixed American, 0.0033%; no homozygotes.

Submission:

Labcorp Genetics (formerly Invitae), Labcorp
Classification: Uncertain significance. Last evaluated: 2020-12-22. Review status: criteria provided, single submitter. Criteria: Invitae Variant Classification Sherloc (09022015). Collection method: clinical testing. Allele origin: germline.
Comment: This sequence change replaces aspartic acid with asparagine at codon 2007 of the COL7A1 protein (p.Asp2007Asn). The aspartic acid residue is weakly conserved and there is a small physicochemical difference between aspartic acid and asparagine. This variant is present in population databases (rs757972415, ExAC 0.01%). This variant has not been reported in the literature in individuals with COL7A1-related conditions. Advanced modeling of protein sequence and biophysical properties (such as structural, functional, and spatial information, amino acid conservation, physicochemical variation, residue mobility, and thermodynamic stability) performed at Invitae indicates that this missense variant is not expected to disrupt COL7A1 protein function. In summary, the available evidence is currently insufficient to determine the role of this variant in disease. Therefore, it has been classified as a Variant of Uncertain Significance.

NM_000094.4(COL7A1):c.6019G>A (p.Asp2007Asn)

Gene: COL7A1 (collagen type VII alpha 1 chain; minus strand). Cytogenetic location: 3p21.31.
Variant type: single nucleotide variant.
Coding change: c.6019G>A on transcript NM_000094.4 (MANE Select); coding-DNA position 6019, G replaced by A.
Protein change: p.Asp2007Asn; replaces aspartic acid 2007 with asparagine.
Molecular consequence: missense variant.
Genome position (GRCh38, 1-based): chr3:48,575,500, C>T on the plus strand (G>A on the coding strand, the complement: COL7A1 is on the minus strand). VCF-style: chr3-48575500-C-T. GRCh37 (hg19) VCF-style: chr3-48612933-C-T.
Other names: short protein forms D2007N.
Identifiers: ClinVar variation 2189836 (VCV002189836.1), dbSNP rs757972415, ClinGen allele CA2379213.
Genomic context (GRCh38, chr3:48,575,500, plus strand): 5'-GGGGGCCCCTCTCCCCAAGGGCCAGACCAGGTGGCCCCTGAGGGCCAGGGTCTCCACGGT[C>T]GCCCTTCAGCCCGCGTTCTCCAGGAAAGCCGATGGGGCCCTGCAGGAGTGGAAGAGAGAA-3'
Protein context (NP_000085.1, residues 1997-2017): GFPGERGLKG[Asp2007Asn]RGDPGPQGPP